The following is an entry in ClinVar:

ClinVar aggregate classification (germline): Uncertain significance (1 of 4 stars; one submission).

Conditions:
Epidermolysis bullosa simplex 5B, with muscular dystrophy (EBS5B). Also called: EPIDERMOLYSIS BULLOSA SIMPLEX AND LIMB-GIRDLE MUSCULAR DYSTROPHY; Epidermolysis bullosa simplex with muscular dystrophy. Identifiers: Orphanet 257, MedGen C2931072, MONDO:0009181, OMIM 226670.
Epidermolysis bullosa simplex 5C, with pyloric atresia (EBS5C). Also called: PLEC-Related Epidermolysis Bullosa with Pyloric Atresia; Epidermolysis bullosa simplex with pyloric atresia; PLEC1-Related Epidermolysis Bullosa with Pyloric Atresia. Identifiers: Orphanet 158684, MedGen C2677349, MONDO:0012807, OMIM 612138.
Autosomal recessive limb-girdle muscular dystrophy type 2Q (LGMDR17). Also called: MUSCULAR DYSTROPHY, LIMB-GIRDLE, AUTOSOMAL RECESSIVE 17. Identifiers: Orphanet 254361, MedGen C3150989, MONDO:0013390, OMIM 613723.
Epidermolysis bullosa simplex with nail dystrophy (EBS5D). Identifiers: MedGen C4225309, MONDO:0014661, OMIM 616487.
Epidermolysis bullosa simplex, Ogna type (EBS5A). Also called: Pidermolysis bullosa simplex 5A, Ogna type; EPIDERMOLYSIS BULLOSA SIMPLEX 5A, OGNA TYPE. Identifiers: Orphanet 79401, MedGen C0432317, MONDO:0007555, OMIM 131950.

Allele frequency attached by ClinVar (database versions not stated): ExAC 0.00001; gnomAD exomes 0.00002; TOPMed 0.00002.
gnomAD v4.1: 22 of 1,613,772 alleles (0.0014%); highest among the groups gnomAD compares: Admixed American, 0.0017%; no homozygotes.

Submission:

Labcorp Genetics (formerly Invitae), Labcorp
Classification: Uncertain significance for Autosomal recessive limb-girdle muscular dystrophy type 2Q; Epidermolysis bullosa simplex, Ogna type; Epidermolysis bullosa simplex with nail dystrophy; Epidermolysis bullosa simplex 5C, with pyloric atresia; Epidermolysis bullosa simplex 5B, with muscular dystrophy. Last evaluated: 2024-11-13. Review status: criteria provided, single submitter. Criteria: Invitae Variant Classification Sherloc (09022015). Collection method: clinical testing. Allele origin: germline.
Comment: This sequence change replaces arginine, which is basic and polar, with histidine, which is basic and polar, at codon 4096 of the PLEC protein (p.Arg4096His). This variant is present in population databases (rs199948550, gnomAD 0.007%). This variant has not been reported in the literature in individuals affected with PLEC-related conditions. ClinVar contains an entry for this variant (Variation ID: 2198573). Invitae Evidence Modeling of protein sequence and biophysical properties (such as structural, functional, and spatial information, amino acid conservation, physicochemical variation, residue mobility, and thermodynamic stability) indicates that this missense variant is expected to disrupt PLEC protein function with a positive predictive value of 80%. In summary, the available evidence is currently insufficient to determine the role of this variant in disease. Therefore, it has been classified as a Variant of Uncertain Significance.

NM_201384.3(PLEC):c.12206G>A (p.Arg4069His)

Gene: PLEC (plectin; minus strand). Cytogenetic location: 8q24.3.
Variant type: single nucleotide variant.
Coding change: c.12206G>A on transcript NM_201384.3 (MANE Select); coding-DNA position 12206, G replaced by A.
Protein change: p.Arg4069His; replaces arginine 4069 with histidine.
Molecular consequence: missense variant.
Genome position (GRCh38, 1-based): chr8:143,917,615, C>T on the plus strand (G>A on the coding strand, the complement: PLEC is on the minus strand). VCF-style: chr8-143917615-C-T. GRCh37 (hg19) VCF-style: chr8-144991783-C-T.
Other names: c.12287G>A, p.Arg4096His (NM_000445.5); c.8906G>A, p.Arg2969His (NM_001410941.1); c.12164G>A, p.Arg4055His (NM_201378.4); c.12140G>A, p.Arg4047His (NM_201379.3); c.12617G>A, p.Arg4206His (NM_201380.4); c.12110G>A, p.Arg4037His (NM_201381.3); c.12206G>A, p.Arg4069His (NM_201382.4); c.12218G>A, p.Arg4073His (NM_201383.3); short protein forms R4055H, R4206H, R4047H, R4073H, R2969H, R4037H, R4096H, R4069H.
Identifiers: ClinVar variation 2198573 (VCV002198573.4), dbSNP rs199948550, ClinGen allele CA4924153.